The following is an entry in ClinVar:

ClinVar aggregate classification (germline): Pathogenic (1 of 4 stars; one submission).

Conditions:
Spastic paraplegia. Identifiers: MedGen C0037772, HP:0001258.

Submission:

Labcorp Genetics (formerly Invitae), Labcorp
Classification: Pathogenic for Spastic paraplegia. Last evaluated: 2022-08-31. Review status: criteria provided, single submitter. Criteria: Invitae Variant Classification Sherloc (09022015). Collection method: clinical testing. Allele origin: germline.
Comment: For these reasons, this variant has been classified as Pathogenic. This premature translational stop signal has been observed in individual(s) with L1 syndrome (PMID: 11438988). This variant is not present in population databases (gnomAD no frequency). This sequence change creates a premature translational stop signal (p.Gly847*) in the L1CAM gene. It is expected to result in an absent or disrupted protein product. Loss-of-function variants in L1CAM are known to be pathogenic (PMID: 19846429).

Literature cited by the submitters: PubMed 11438988; PubMed 19846429.

NM_001278116.2(L1CAM):c.2539G>T (p.Gly847Ter)

Gene: L1CAM (L1 cell adhesion molecule; minus strand). Cytogenetic location: Xq28.
Variant type: single nucleotide variant.
Coding change: c.2539G>T on transcript NM_001278116.2 (MANE Select); coding-DNA position 2539, G replaced by T.
Protein change: p.Gly847Ter; replaces glycine 847 with a stop codon.
Molecular consequence: nonsense.
Genome position (GRCh38, 1-based): chrX:153,865,712, C>A on the plus strand (G>T on the coding strand, the complement: L1CAM is on the minus strand). VCF-style: chrX-153865712-C-A. GRCh37 (hg19) VCF-style: chrX-153131167-C-A.
Other names: c.2539G>T, p.Gly847Ter (NM_000425.5, NM_024003.3); c.2524G>T, p.Gly842Ter (NM_001143963.2); short protein forms G847*, G842*.
Identifiers: ClinVar variation 2138776 (VCV002138776.4), dbSNP rs2148494337, ClinGen allele CA415116991.